The following is an entry in ClinVar:

ClinVar aggregate classification (germline): Uncertain significance (1 of 4 stars; one submission).

Submission:

GeneDx
Classification: Uncertain significance. Last evaluated: 2022-02-23. Review status: criteria provided, single submitter. Criteria: GeneDx Variant Classification Process June 2021. Collection method: clinical testing. Allele origin: germline. Affected: yes.
Comment: Not observed at significant frequency in large population cohorts (gnomAD); In silico analysis supports a deleterious effect on splicing; Has not been previously published as pathogenic or benign to our knowledge

NM_014975.3(MAST1):c.1804+5G>A

Gene: MAST1 (microtubule associated serine/threonine kinase 1; plus strand). Cytogenetic location: 19p13.13.
Variant type: single nucleotide variant.
Coding change: c.1804+5G>A on transcript NM_014975.3 (MANE Select); 5 bases into the intron after coding-DNA position 1804, G replaced by A.
Molecular consequence: intron variant.
Genome position (GRCh38, 1-based): chr19:12,865,486, G>A. VCF-style: chr19-12865486-G-A. GRCh37 (hg19) VCF-style: chr19-12976300-G-A.
Identifiers: ClinVar variation 1703370 (VCV001703370.2), dbSNP rs2512537012, ClinGen allele CA2522535271.